The following is an entry in ClinVar:

ClinVar aggregate classification (germline): Benign/Likely benign. Review status: criteria provided, multiple submitters, no conflicts (2 of 4 stars). 4 submissions from 4 submitters: Benign (1); Likely benign (3). Last evaluated 2025-05-01.

Conditions:
Multiple endocrine neoplasia, type 1 (MEN1). Also called: MEN I; MEA I; WERMER SYNDROME; Endocrine adenomatosis multiple; MEN 1. Identifiers: Orphanet 652, MedGen C0025267, MeSH D018761, MONDO:0007540, OMIM 131100.
Hereditary cancer-predisposing syndrome. Also called: Tumor predisposition; Hereditary neoplastic syndrome; Hereditary Cancer Syndrome; Neoplastic Syndromes, Hereditary. Identifiers: Orphanet 140162, MedGen C0027672, MeSH D009386, MONDO:0015356.

Allele frequency attached by ClinVar (database versions not stated): gnomAD exomes below 0.00001 and 0.00002; TOPMed 0.00001; gnomAD 0.00003 and 0.00004.
gnomAD v4.1: 11 of 1,613,994 alleles (0.00068%); highest among the groups gnomAD compares: East Asian, 0.024%; no homozygotes.

Submissions (4):

Labcorp Genetics (formerly Invitae), Labcorp
Classification: Likely benign for Multiple endocrine neoplasia, type 1. Last evaluated: 2025-05-01. Review status: criteria provided, single submitter. Criteria: Invitae Variant Classification Sherloc (09022015). Collection method: clinical testing. Allele origin: germline.

Myriad Genetics, Inc.
Classification: Benign for Multiple endocrine neoplasia, type 1. Last evaluated: 2024-11-01. Review status: criteria provided, single submitter. Criteria: Myriad Autosomal Dominant, Autosomal Recessive and X-Linked Classification Criteria (2023). Collection method: clinical testing. Allele origin: unknown.
Comment: This variant is considered benign. This variant is a silent/synonymous amino acid change and it is not expected to impact splicing.

Color Diagnostics, LLC DBA Color Health
Classification: Likely benign for Multiple endocrine neoplasia, type 1. Last evaluated: 2022-11-06. Review status: criteria provided, single submitter. Criteria: ACMG Guidelines, 2015. Collection method: clinical testing. Allele origin: germline.

Ambry Genetics
Classification: Likely benign for Hereditary cancer-predisposing syndrome. Last evaluated: 2020-02-21. Review status: criteria provided, single submitter. Criteria: Ambry Variant Classification Scheme 2023. Collection method: clinical testing. Allele origin: germline.

NM_001370259.2(MEN1):c.642T>C (p.Gly214=)

Gene: MEN1 (menin 1; minus strand). Cytogenetic location: 11q13.1.
Variant type: single nucleotide variant.
Coding change: c.642T>C on transcript NM_001370259.2 (MANE Select); coding-DNA position 642, T replaced by C.
Protein change: p.Gly214=; no amino-acid change (glycine 214 retained).
Molecular consequence: synonymous variant. On other transcripts: intron variant (2).
Genome position (GRCh38, 1-based): chr11:64,807,903, A>G on the plus strand (T>C on the coding strand, the complement: MEN1 is on the minus strand). VCF-style: chr11-64807903-A-G. GRCh37 (hg19) VCF-style: chr11-64575375-A-G.
Other names: c.642T>C, p.Gly214= (NM_130799.3, NM_001370251.2, NM_001370260.2 and 1 more transcripts); c.657T>C, p.Gly219= (NM_130800.3, NM_130801.3, NM_130802.3 and 3 more transcripts); c.549+93T>C (NM_001370263.2, NM_001370262.2).
Identifiers: ClinVar variation 701708 (VCV000701708.12), dbSNP rs931878410, ClinGen allele CA223915603.